The following is an entry in ClinVar:

NC_012920.1(MT-TH):m.12166T>C

Gene: MT-TH (mitochondrially encoded tRNA histidine; plus strand).
Variant type: single nucleotide variant.
Genome position: chrM-12166-T-C.
Identifiers: ClinVar variation 690140 (VCV000690140.1), dbSNP rs879126000, ClinGen allele CA337099407.

ClinVar aggregate classification (germline): Benign (1 of 4 stars; one submission).

Conditions:
MELAS syndrome (MELAS). Also called: Juvenile myopathy, encephalopathy, lactic acidosis, stroke. Identifiers: Orphanet 550, MedGen C0162671, MONDO:0010789, OMIM 540000.

Submission:

Wong Mito Lab, Molecular and Human Genetics, Baylor College of Medicine
Classification: Benign for MELAS syndrome. Last evaluated: 2019-07-12. Review status: criteria provided, single submitter. Criteria: Modified ACMG Guidelines (Unpublished). Collection method: clinical testing. Allele origin: germline.
Comment: The NC_012920.1:m.12166T>C variant in MT-TH gene is interpreted to be a Benign variant based on the modified ACMG guidelines (unpublished). This variant meets the following evidence codes reported in the guidelines: BS1, BS2, BP4

Literature cited by the submitters: PubMed 31965079.